The following is an entry in ClinVar:

ClinVar aggregate classification (germline): Benign. Review status: criteria provided, multiple submitters, no conflicts (2 of 4 stars). 6 submissions from 6 submitters: Benign (4). 2 of the submissions do not count toward it. Last evaluated 2026-08-01.

Conditions:
Familial acute necrotizing encephalopathy (IIAE3). Also called: ENCEPHALOPATHY, ACUTE, INFECTION-INDUCED, SUSCEPTIBILITY TO, 3; Susceptibility to Acute Necrotizing Encephalopathy 1. Identifiers: Orphanet 88619, MedGen C2675556, MONDO:0011953, OMIM 608033.

Allele frequency attached by ClinVar (database versions not stated): 1000 Genomes Project 0.00419; ExAC 0.00446; 1000 Genomes Project 30x 0.00453; gnomAD exomes 0.00453 and 0.00624; gnomAD 0.00474 and 0.00486; ESP Exome Variant Server 0.00538; TOPMed 0.00543.
gnomAD v4.1: 9,804 of 1,614,172 alleles (0.61%); highest among the groups gnomAD compares: Admixed American, 0.79%; 48 homozygotes.

Submissions (6):

CeGaT Center for Human Genetics Tuebingen
Classification: Benign. Last evaluated: 2026-08-01. Review status: criteria provided, single submitter. Criteria: CeGaT Center For Human Genetics Tuebingen Variant Classification Criteria Version 2. Collection method: clinical testing. Allele origin: germline. Affected: yes. Observed: 11 variant alleles.
Comment: RANBP2: BP4, BP7, BS1, BS2

Labcorp Genetics (formerly Invitae), Labcorp
Classification: Benign for Familial acute necrotizing encephalopathy. Last evaluated: 2025-06-27. Review status: criteria provided, single submitter. Criteria: Invitae Variant Classification Sherloc (09022015). Collection method: clinical testing. Allele origin: germline.

GeneDx
Classification: Benign. Last evaluated: 2016-04-22. Review status: criteria provided, single submitter. Criteria: GeneDx Variant Classification (06012015). Collection method: clinical testing. Allele origin: germline. Affected: yes.
Comment: This variant is considered likely benign or benign based on one or more of the following criteria: it is a conservative change, it occurs at a poorly conserved position in the protein, it is predicted to be benign by multiple in silico algorithms, and/or has population frequency not consistent with disease.

Breakthrough Genomics
Classification: Benign. Review status: criteria provided, single submitter. Criteria: ACMG Guidelines, 2015. Collection method: not provided. Allele origin: germline. Inheritance: Autosomal dominant inheritance. Affected: yes.

Clinical Genetics DNA and cytogenetics Diagnostics Lab, Erasmus MC, Erasmus Medical Center
Classification: Likely benign. Review status: no assertion criteria provided. Collection method: clinical testing. Allele origin: germline. Affected: yes. Study: VKGL Data-share Consensus. Not counted in ClinVar's aggregate classification.

Genome Diagnostics Laboratory, University Medical Center Utrecht
Classification: Likely benign. Review status: no assertion criteria provided. Collection method: clinical testing. Allele origin: germline. Affected: yes. Study: VKGL Data-share Consensus. Not counted in ClinVar's aggregate classification.

NM_006267.5(RANBP2):c.2982A>T (p.Ala994=)

Gene: RANBP2 (RAN binding protein 2; plus strand). Cytogenetic location: 2q13.
Variant type: single nucleotide variant.
Coding change: c.2982A>T on transcript NM_006267.5 (MANE Select); coding-DNA position 2982, A replaced by T.
Protein change: p.Ala994=; no amino-acid change (alanine 994 retained).
Molecular consequence: synonymous variant.
Genome position (GRCh38, 1-based): chr2:108,763,521, A>T. VCF-style: chr2-108763521-A-T. GRCh37 (hg19) VCF-style: chr2-109379977-A-T.
Identifiers: ClinVar variation 380576 (VCV000380576.38), dbSNP rs61748148, ClinGen allele CA1822849.